The following is an entry in ClinVar:

NM_000057.4(BLM):c.398A>G (p.Asp133Gly)

Gene: BLM (BLM RecQ like helicase; plus strand). Cytogenetic location: 15q26.1.
Variant type: single nucleotide variant.
Coding change: c.398A>G on transcript NM_000057.4 (MANE Select); coding-DNA position 398, A replaced by G.
Protein change: p.Asp133Gly; replaces aspartic acid 133 with glycine.
Molecular consequence: missense variant. On other transcripts: 5 prime UTR variant (1).
Genome position (GRCh38, 1-based): chr15:90,749,666, A>G. VCF-style: chr15-90749666-A-G. GRCh37 (hg19) VCF-style: chr15-91292896-A-G.
Other names: c.398A>G, p.Asp133Gly (NM_001287246.2, NM_001287247.2); c.-894A>G (NM_001287248.2); short protein forms D133G.
Identifiers: ClinVar variation 846938 (VCV000846938.5), dbSNP rs1895614433, ClinGen allele CA393840461.

ClinVar aggregate classification (germline): Uncertain significance. Review status: criteria provided, multiple submitters, no conflicts (2 of 4 stars). 2 submissions from 2 submitters: Uncertain significance (2). Last evaluated 2025-11-05.

Conditions:
Bloom syndrome (BLM). Also called: Bloom-Torre-Machacek syndrome. Identifiers: Orphanet 125, MedGen C0005859, MONDO:0008876, OMIM 210900.
Hereditary cancer-predisposing syndrome. Also called: Tumor predisposition; Hereditary neoplastic syndrome; Neoplastic Syndromes, Hereditary; Hereditary Cancer Syndrome. Identifiers: Orphanet 140162, MedGen C0027672, MeSH D009386, MONDO:0015356.

Allele frequency attached by ClinVar (database versions not stated): TOPMed below 0.00001.

Submissions (2):

Labcorp Genetics (formerly Invitae), Labcorp
Classification: Uncertain significance for Bloom syndrome. Last evaluated: 2025-11-05. Review status: criteria provided, single submitter. Criteria: Invitae Variant Classification Sherloc (09022015). Collection method: clinical testing. Allele origin: germline.
Comment: This sequence change replaces aspartic acid, which is acidic and polar, with glycine, which is neutral and non-polar, at codon 133 of the BLM protein (p.Asp133Gly). This variant is not present in population databases (gnomAD no frequency). This variant has not been reported in the literature in individuals affected with BLM-related conditions. ClinVar contains an entry for this variant (Variation ID: 846938). An algorithm developed to predict the effect of missense changes on protein structure and function (PolyPhen-2) suggests that this variant is likely to be tolerated. In summary, the available evidence is currently insufficient to determine the role of this variant in disease. Therefore, it has been classified as a Variant of Uncertain Significance.

Ambry Genetics
Classification: Uncertain significance for Hereditary cancer-predisposing syndrome. Last evaluated: 2024-04-11. Review status: criteria provided, single submitter. Criteria: Ambry Variant Classification Scheme 2023. Collection method: clinical testing. Allele origin: germline.
Comment: The p.D133G variant (also known as c.398A>G), located in coding exon 2 of the BLM gene, results from an A to G substitution at nucleotide position 398. The aspartic acid at codon 133 is replaced by glycine, an amino acid with similar properties. This amino acid position is conserved. In addition, this alteration is predicted to be tolerated by in silico analysis. Since supporting evidence is limited at this time, the clinical significance of this alteration remains unclear.